The following is an entry in ClinVar:

NM_000179.3(MSH6):c.2828A>G (p.Asp943Gly)

Gene: MSH6 (mutS homolog 6; plus strand). Cytogenetic location: 2p16.3.
Variant type: single nucleotide variant.
Coding change: c.2828A>G on transcript NM_000179.3 (MANE Select); coding-DNA position 2828, A replaced by G.
Protein change: p.Asp943Gly; replaces aspartic acid 943 with glycine.
Molecular consequence: missense variant. On other transcripts: non-coding transcript variant (5), intron variant (2).
Genome position (GRCh38, 1-based): chr2:47,800,811, A>G. VCF-style: chr2-47800811-A-G. GRCh37 (hg19) VCF-style: chr2-48027950-A-G.
Other names: c.2438A>G, p.Asp813Gly (NM_001281492.2); c.1922A>G, p.Asp641Gly (NM_001281493.2, NM_001281494.2, NM_001406811.1 and 6 more transcripts); c.2924A>G, p.Asp975Gly (NM_001406795.1, NM_001406802.1); c.2828A>G, p.Asp943Gly (NM_001406796.1, NM_001406798.1, NM_001406800.1 and 2 more transcripts); c.2531A>G, p.Asp844Gly (NM_001406797.1, NM_001406801.1, NM_001406805.1 and 10 more transcripts); c.2303A>G, p.Asp768Gly (NM_001406799.1, NM_001406806.1, NM_001406807.1); c.2750A>G, p.Asp917Gly (NM_001406804.1); c.2660A>G, p.Asp887Gly (NM_001406826.1); and 4 more; short protein forms D844G, D887G, D917G, D641G, D813G, D975G, D258G, D768G.
Identifiers: ClinVar variation 4111219 (VCV004111219.1).
Genomic context (GRCh38, chr2:47,800,811, plus strand): 5'-AGACTGGACTTATTACTCCCAAAGCAGGCTTTGACTCTGATTATGACCAAGCTCTTGCTG[A>G]CATAAGAGAAAATGAACAGAGCCTCCTGGAATACCTAGAGAAACAGCGCAACAGAATTGG-3'
Protein context (NP_000170.1, residues 933-953): FDSDYDQALA[Asp943Gly]IRENEQSLLE

ClinVar aggregate classification (germline): Uncertain significance (1 of 4 stars; one submission).

Conditions:
Hereditary cancer-predisposing syndrome. Also called: Tumor predisposition; Neoplastic Syndromes, Hereditary; Hereditary neoplastic syndrome; Hereditary Cancer Syndrome. Identifiers: Orphanet 140162, MedGen C0027672, MeSH D009386, MONDO:0015356.

Submission:

Ambry Genetics
Classification: Uncertain significance for Hereditary cancer-predisposing syndrome. Last evaluated: 2025-08-07. Review status: criteria provided, single submitter. Criteria: Ambry Variant Classification Scheme 2023. Collection method: clinical testing. Allele origin: germline.
Comment: The p.D943G variant (also known as c.2828A>G), located in coding exon 4 of the MSH6 gene, results from an A to G substitution at nucleotide position 2828. The aspartic acid at codon 943 is replaced by glycine, an amino acid with similar properties. This amino acid position is conserved. In addition, the in silico prediction for this alteration is inconclusive. Based on the available evidence, the clinical significance of this variant remains unclear.